The following is an entry in ClinVar:

NM_024719.4(GRTP1):c.466-1282C>G

Gene: GRTP1 (growth hormone regulated TBC protein 1; minus strand). Cytogenetic location: 13q34.
Variant type: single nucleotide variant.
Coding change: c.466-1282C>G on transcript NM_024719.4 (MANE Select); 1282 bases into the intron before coding-DNA position 466, C replaced by G.
Molecular consequence: intron variant.
Genome position (GRCh38, 1-based): chr13:113,346,241, G>C on the plus strand (C>G on the coding strand, the complement: GRTP1 is on the minus strand). VCF-style: chr13-113346241-G-C. GRCh37 (hg19) VCF-style: chr13-114000556-G-C.
Other names: c.466-1282C>G (NM_001286733.1, NM_001286732.2); c.232-1282C>G (NM_001411029.1).
Identifiers: ClinVar variation 2643987 (VCV002643987.24), dbSNP rs1265764210, ClinGen allele CA612715274.

ClinVar aggregate classification (germline): Likely benign (1 of 4 stars; one submission).

Submission:

CeGaT Center for Human Genetics Tuebingen
Classification: Likely benign. Last evaluated: 2023-01-01. Review status: criteria provided, single submitter. Criteria: CeGaT Center For Human Genetics Tuebingen Variant Classification Criteria Version 2. Collection method: clinical testing. Allele origin: germline. Affected: yes. Observed: 1 variant allele.
Comment: GRTP1: BS2